The following is an entry in ClinVar:

ClinVar aggregate classification (germline): Uncertain significance. Review status: criteria provided, multiple submitters, no conflicts (2 of 4 stars). 4 submissions from 4 submitters: Uncertain significance (4). Last evaluated 2025-06-02.

Conditions:
Inborn genetic diseases. Identifiers: MedGen C0950123, MeSH D030342.
Majeed syndrome (MJDS). Also called: LPIN2-Related Majeed Syndrome; CHRONIC RECURRENT MULTIFOCAL OSTEOMYELITIS 1, WITH CONGENITAL DYSERYTHROPOIETIC ANEMIA, WITH OR WITHOUT NEUTROPHILIC DERMATOSIS. Identifiers: Orphanet 77297, MedGen C1864997, MONDO:0012316, OMIM 609628.

Allele frequency attached by ClinVar (database versions not stated): gnomAD exomes 0.00002 and 0.00006; gnomAD 0.00003; TOPMed 0.00005; ExAC 0.00007.
gnomAD v4.1: 37 of 1,583,576 alleles (0.0023%); highest among the groups gnomAD compares: Middle Eastern, 0.017%; no homozygotes.

Submissions (4):

Labcorp Genetics (formerly Invitae), Labcorp
Classification: Uncertain significance for Majeed syndrome. Last evaluated: 2025-06-02. Review status: criteria provided, single submitter. Criteria: Invitae Variant Classification Sherloc (09022015). Collection method: clinical testing. Allele origin: germline.
Comment: This sequence change replaces serine, which is neutral and polar, with leucine, which is neutral and non-polar, at codon 425 of the LPIN2 protein (p.Ser425Leu). This variant is present in population databases (rs772737665, gnomAD 0.02%). This variant has not been reported in the literature in individuals affected with LPIN2-related conditions. ClinVar contains an entry for this variant (Variation ID: 234332). Invitae Evidence Modeling of protein sequence and biophysical properties (such as structural, functional, and spatial information, amino acid conservation, physicochemical variation, residue mobility, and thermodynamic stability) indicates that this missense variant is not expected to disrupt LPIN2 protein function with a negative predictive value of 80%. In summary, the available evidence is currently insufficient to determine the role of this variant in disease. Therefore, it has been classified as a Variant of Uncertain Significance.

Ambry Genetics
Classification: Uncertain significance for Inborn genetic diseases. Last evaluated: 2024-12-03. Review status: criteria provided, single submitter. Criteria: Ambry Variant Classification Scheme 2023. Collection method: clinical testing. Allele origin: germline.

GeneDx
Classification: Uncertain significance. Last evaluated: 2024-04-18. Review status: criteria provided, single submitter. Criteria: GeneDx Variant Classification Process June 2021. Collection method: clinical testing. Allele origin: germline. Affected: yes.
Comment: In silico analysis supports that this missense variant has a deleterious effect on protein structure/function; Has not been previously published as pathogenic or benign to our knowledge

Revvity Omics, Revvity
Classification: Uncertain significance for Majeed syndrome. Last evaluated: 2024-03-18. Review status: criteria provided, single submitter. Criteria: ACMG Guidelines, 2015. Collection method: clinical testing. Allele origin: germline.

NM_001375808.2(LPIN2):c.1274C>T (p.Ser425Leu)

Gene: LPIN2 (lipin 2; minus strand). Cytogenetic location: 18p11.31.
Variant type: single nucleotide variant.
Coding change: c.1274C>T on transcript NM_001375808.2 (MANE Select); coding-DNA position 1274, C replaced by T.
Protein change: p.Ser425Leu; replaces serine 425 with leucine.
Molecular consequence: missense variant.
Genome position (GRCh38, 1-based): chr18:2,931,438, G>A on the plus strand (C>T on the coding strand, the complement: LPIN2 is on the minus strand). VCF-style: chr18-2931438-G-A. GRCh37 (hg19) VCF-style: chr18-2931436-G-A.
Other names: c.1274C>T, p.Ser425Leu (NM_001375809.1, NM_014646.2); short protein forms S425L.
Identifiers: ClinVar variation 234332 (VCV000234332.14), dbSNP rs772737665, ClinGen allele CA8873143.